The following is an entry in ClinVar:

ClinVar aggregate classification (germline): Uncertain significance (1 of 4 stars; one submission).

Conditions:
Combined malonic and methylmalonic acidemia. Identifiers: Orphanet 289504, MedGen C3280314, MONDO:0013661, OMIM 614265.

Allele frequency attached by ClinVar (database versions not stated): TOPMed below 0.00001.

Submission:

Labcorp Genetics (formerly Invitae), Labcorp
Classification: Uncertain significance for Combined malonic and methylmalonic acidemia. Last evaluated: 2024-10-15. Review status: criteria provided, single submitter. Criteria: Invitae Variant Classification Sherloc (09022015). Collection method: clinical testing. Allele origin: germline.
Comment: This sequence change replaces serine, which is neutral and polar, with isoleucine, which is neutral and non-polar, at codon 143 of the ACSF3 protein (p.Ser143Ile). This variant is not present in population databases (gnomAD no frequency). This variant has not been reported in the literature in individuals affected with ACSF3-related conditions. ClinVar contains an entry for this variant (Variation ID: 1916120). Invitae Evidence Modeling of protein sequence and biophysical properties (such as structural, functional, and spatial information, amino acid conservation, physicochemical variation, residue mobility, and thermodynamic stability) has been performed for this missense variant. However, the output from this modeling did not meet the statistical confidence thresholds required to predict the impact of this variant on ACSF3 protein function. In summary, the available evidence is currently insufficient to determine the role of this variant in disease. Therefore, it has been classified as a Variant of Uncertain Significance.

NM_001243279.3(ACSF3):c.428G>T (p.Ser143Ile)

Gene: ACSF3 (acyl-CoA synthetase family member 3; plus strand). Cytogenetic location: 16q24.3.
Variant type: single nucleotide variant.
Coding change: c.428G>T on transcript NM_001243279.3 (MANE Select); coding-DNA position 428, G replaced by T.
Protein change: p.Ser143Ile; replaces serine 143 with isoleucine.
Molecular consequence: missense variant. On other transcripts: non-coding transcript variant (3), intron variant (1).
Genome position (GRCh38, 1-based): chr16:89,101,109, G>T. VCF-style: chr16-89101109-G-T. GRCh37 (hg19) VCF-style: chr16-89167517-G-T.
Other names: c.428G>T, p.Ser143Ile (NM_001127214.4, NM_174917.5); c.-129-1495G>T (NM_001284316.2); short protein forms S143I.
Identifiers: ClinVar variation 1916120 (VCV001916120.4), dbSNP rs952318867, ClinGen allele CA286445700.